The following is an entry in ClinVar:

NM_004104.5(FASN):c.4138C>T (p.Leu1380Phe)

Gene: FASN (fatty acid synthase; minus strand). Cytogenetic location: 17q25.3.
Variant type: single nucleotide variant.
Coding change: c.4138C>T on transcript NM_004104.5 (MANE Select); coding-DNA position 4138, C replaced by T.
Protein change: p.Leu1380Phe; replaces leucine 1380 with phenylalanine.
Molecular consequence: missense variant.
Genome position (GRCh38, 1-based): chr17:82,085,387, G>A on the plus strand (C>T on the coding strand, the complement: FASN is on the minus strand). VCF-style: chr17-82085387-G-A. GRCh37 (hg19) VCF-style: chr17-80043263-G-A.
Other names: short protein forms L1380F.
Identifiers: ClinVar variation 531025 (VCV000531025.7), dbSNP rs769124217, ClinGen allele CA8852173.

ClinVar aggregate classification (germline): Uncertain significance (1 of 4 stars; one submission).

Conditions:
Epileptic encephalopathy. Identifiers: MedGen C0543888, HP:0200134.

Allele frequency attached by ClinVar (database versions not stated): gnomAD exomes 0.00005 and 0.00004; TOPMed 0.00007; gnomAD 0.00009 and 0.00010; ExAC 0.00005.
gnomAD v4.1: 80 of 1,611,124 alleles (0.005%); highest among the groups gnomAD compares: Non-Finnish European, 0.0062%; no homozygotes.

Submission:

Labcorp Genetics (formerly Invitae), Labcorp
Classification: Uncertain significance for Epileptic encephalopathy. Last evaluated: 2025-11-24. Review status: criteria provided, single submitter. Criteria: Invitae Variant Classification Sherloc (09022015). Collection method: clinical testing. Allele origin: germline.
Comment: This sequence change replaces leucine, which is neutral and non-polar, with phenylalanine, which is neutral and non-polar, at codon 1380 of the FASN protein (p.Leu1380Phe). This variant is present in population databases (rs769124217, gnomAD 0.006%). This variant has not been reported in the literature in individuals affected with FASN-related conditions. ClinVar contains an entry for this variant (Variation ID: 531025). An algorithm developed to predict the effect of missense changes on protein structure and function (PolyPhen-2) suggests that this variant is likely to be tolerated. In summary, the available evidence is currently insufficient to determine the role of this variant in disease. Therefore, it has been classified as a Variant of Uncertain Significance.